The following is an entry in ClinVar:

NM_001370100.5(ZMYND11):c.1255A>C (p.Ser419Arg)

Genes: ZMYND11 (zinc finger MYND-type containing 11; plus strand), LOC126860802 (BRD4-independent group 4 enhancer GRCh37_chr10:294268-295467; plus strand). Cytogenetic location: 10p15.3.
Variant type: single nucleotide variant.
Coding change: c.1255A>C on transcript NM_001370100.5 (MANE Select); coding-DNA position 1255, A replaced by C.
Protein change: p.Ser419Arg; replaces serine 419 with arginine.
Molecular consequence: missense variant. On other transcripts: non-coding transcript variant (1).
Genome position (GRCh38, 1-based): chr10:248,363, A>C. VCF-style: chr10-248363-A-C. GRCh37 (hg19) VCF-style: chr10-294303-A-C.
Other names: c.1090A>C, p.Ser364Arg (NM_001370111.2, NM_001202466.3); c.1204A>C, p.Ser402Arg (NM_001370112.2, NM_001330057.3); c.1162A>C, p.Ser388Arg (NM_001370113.2, NM_001370114.2); c.784A>C, p.Ser262Arg (NM_001370124.3); c.1255A>C, p.Ser419Arg (NM_006624.7, NM_001202468.1, NM_001370097.3 and 4 more transcripts); c.1252A>C, p.Ser418Arg (NM_212479.4, NM_001370115.2); c.1093A>C, p.Ser365Arg (NM_001202464.3, NM_001202467.1, NM_001370105.2 and 6 more transcripts); c.1000A>C, p.Ser334Arg (NM_001202465.3, NM_001370110.2); and 8 more; short protein forms S325R, S365R, S379R, S402R, S262R, S364R, S300R, S317R.
Identifiers: ClinVar variation 1029064 (VCV001029064.1), dbSNP rs1952619236, ClinGen allele CA375822025.

ClinVar aggregate classification (germline): Likely pathogenic (1 of 4 stars; one submission).

Conditions:
Intellectual developmental disorder, autosomal dominant 30, with speech delay and behavioral abnormalities. Also called: Intellectual disability, autosomal dominant 30. Identifiers: Orphanet 436151, MedGen C4015167, MONDO:0014486, OMIM 616083.

Submission:

Baylor Genetics
Classification: Likely pathogenic for Intellectual developmental disorder, autosomal dominant 30, with speech delay and behavioral abnormalities. Last evaluated: 2019-10-01. Review status: criteria provided, single submitter. Criteria: ACMG Guidelines, 2015. Collection method: clinical testing. Allele origin: de novo. Affected: yes.
Comment: This variant was determined to be likely pathogenic according to ACMG Guidelines, 2015 [PMID:25741868].